The following is an entry in ClinVar:

NM_012469.4(PRPF6):c.271A>G (p.Ser91Gly)

Gene: PRPF6 (pre-mRNA processing factor 6; plus strand). Cytogenetic location: 20q13.33.
Variant type: single nucleotide variant.
Coding change: c.271A>G on transcript NM_012469.4 (MANE Select); coding-DNA position 271, A replaced by G.
Protein change: p.Ser91Gly; replaces serine 91 with glycine.
Molecular consequence: missense variant.
Genome position (GRCh38, 1-based): chr20:63,984,937, A>G. VCF-style: chr20-63984937-A-G. GRCh37 (hg19) VCF-style: chr20-62616290-A-G.
Other names: short protein forms S91G.
Identifiers: ClinVar variation 1935822 (VCV001935822.5), dbSNP rs1367981211, ClinGen allele CA409798065.
Genomic context (GRCh38, chr20:63,984,937, plus strand): 5'-TGACCTCTACACGTGTTGTTTGCTTCTCAGTTTAATGGCTATGCTGGGAGCCTCTTCTCA[A>G]GTGGACCCTACGAGAAAGATGATGAGGAAGCAGATGCTATCTATGCAGCCCTGGATAAAA-3'
Protein context (NP_036601.2, residues 81-101): FNGYAGSLFS[Ser91Gly]GPYEKDDEEA

ClinVar aggregate classification (germline): Uncertain significance (1 of 4 stars; one submission).

Allele frequency attached by ClinVar (database versions not stated): TOPMed below 0.00001; gnomAD 0.00001.
gnomAD v4.1: 18 of 1,613,740 alleles (0.0011%); highest among the groups gnomAD compares: Non-Finnish European, 0.00051%; no homozygotes.

Submission:

Labcorp Genetics (formerly Invitae), Labcorp
Classification: Uncertain significance. Last evaluated: 2022-06-22. Review status: criteria provided, single submitter. Criteria: Invitae Variant Classification Sherloc (09022015). Collection method: clinical testing. Allele origin: germline.
Comment: Algorithms developed to predict the effect of missense changes on protein structure and function (SIFT, PolyPhen-2, Align-GVGD) all suggest that this variant is likely to be tolerated. In summary, the available evidence is currently insufficient to determine the role of this variant in disease. Therefore, it has been classified as a Variant of Uncertain Significance. This variant has not been reported in the literature in individuals affected with PRPF6-related conditions. This variant is present in population databases (no rsID available, gnomAD 0.02%). This sequence change replaces serine, which is neutral and polar, with glycine, which is neutral and non-polar, at codon 91 of the PRPF6 protein (p.Ser91Gly).